The following is an entry in ClinVar:

ClinVar aggregate classification (germline): Conflicting classifications of pathogenicity. Review status: criteria provided, conflicting classifications (1 of 4 stars). 4 submissions from 4 submitters: Uncertain significance (1); Likely benign (3). Last evaluated 2026-03-01.

Conditions:
Inborn genetic diseases. Identifiers: MedGen C0950123, MeSH D030342.
Schuurs-Hoeijmakers syndrome. Also called: PACS1-Related Neurodevelopmental Disorder. Identifiers: Orphanet 329224, MedGen C3554343, MONDO:0014006, OMIM 615009.

Allele frequency attached by ClinVar (database versions not stated): ExAC 0.00003; TOPMed 0.00004; gnomAD 0.00005 and 0.00006; ESP Exome Variant Server 0.00008.
gnomAD v4.1: 83 of 1,614,028 alleles (0.0051%); highest among the groups gnomAD compares: Non-Finnish European, 0.0062%; no homozygotes.

Submissions (4):

CeGaT Center for Human Genetics Tuebingen
Classification: Likely benign. Last evaluated: 2026-03-01. Review status: criteria provided, single submitter. Criteria: CeGaT Center For Human Genetics Tuebingen Variant Classification Criteria Version 2. Collection method: clinical testing. Allele origin: germline. Affected: yes. Observed: 3 variant alleles.
Comment: PACS1: BP4, BS2

Labcorp Genetics (formerly Invitae), Labcorp
Classification: Likely benign for Schuurs-Hoeijmakers syndrome. Last evaluated: 2025-10-24. Review status: criteria provided, single submitter. Criteria: Invitae Variant Classification Sherloc (09022015). Collection method: clinical testing. Allele origin: germline.

GeneDx
Classification: Uncertain significance. Last evaluated: 2022-04-06. Review status: criteria provided, single submitter. Criteria: GeneDx Variant Classification Process June 2021. Collection method: clinical testing. Allele origin: germline. Affected: yes.
Comment: Has not been previously published as pathogenic or benign to our knowledge; In silico analysis supports that this missense variant has a deleterious effect on protein structure/function

Ambry Genetics
Classification: Likely benign for Inborn genetic diseases. Last evaluated: 2021-08-16. Review status: criteria provided, single submitter. Criteria: Ambry Variant Classification Scheme 2023. Collection method: clinical testing. Allele origin: germline.

NM_018026.4(PACS1):c.2296G>A (p.Asp766Asn)

Gene: PACS1 (phosphofurin acidic cluster sorting protein 1; plus strand). Cytogenetic location: 11q13.2.
Variant type: single nucleotide variant.
Coding change: c.2296G>A on transcript NM_018026.4 (MANE Select); coding-DNA position 2296, G replaced by A.
Protein change: p.Asp766Asn; replaces aspartic acid 766 with asparagine.
Molecular consequence: missense variant.
Genome position (GRCh38, 1-based): chr11:66,239,144, G>A. VCF-style: chr11-66239144-G-A. GRCh37 (hg19) VCF-style: chr11-66006615-G-A.
Other names: c.2296G>A (NM_018026.2); short protein forms D766N.
Identifiers: ClinVar variation 1517773 (VCV001517773.26), dbSNP rs375682747, ClinGen allele CA6116845.
Genomic context (GRCh38, chr11:66,239,144, plus strand): 5'-CACCAAGTCAGAGATAGCTTCCTCTGGCCAACTGTGTTTGTCGTTTGTCCCCTGACAGGC[G>A]ATGGGGACGATTCTCCTGTGGTCAGCCTTACTGTGCCCTCCACATCACCACCCTCCAGCT-3'
Protein context (NP_060496.2, residues 756-776): LVEDSPSTAG[Asp766Asn]GDDSPVVSLT